The following is an entry in ClinVar:

NM_000466.3(PEX1):c.3009A>G (p.Val1003=)

Genes: GATAD1 (GATA zinc finger domain containing 1; plus strand), PEX1 (peroxisomal biogenesis factor 1; minus strand). Cytogenetic location: 7q21.2.
Variant type: single nucleotide variant.
Coding change: c.3009A>G on transcript NM_000466.3 (MANE Select); coding-DNA position 3009, A replaced by G.
Protein change: p.Val1003=; no amino-acid change (valine 1003 retained).
Molecular consequence: synonymous variant.
Genome position (GRCh38, 1-based): chr7:92,494,314, T>C on the plus strand (A>G on the coding strand, the complement: PEX1 is on the minus strand). VCF-style: chr7-92494314-T-C. GRCh37 (hg19) VCF-style: chr7-92123628-T-C.
Other names: c.3009A>G (NM_000466.2); c.2838A>G, p.Val946= (NM_001282677.2); c.2385A>G, p.Val795= (NM_001282678.2).
Identifiers: ClinVar variation 1097349 (VCV001097349.11), dbSNP rs560095065, ClinGen allele CA4340937.

ClinVar aggregate classification (germline): Conflicting classifications of pathogenicity. Review status: criteria provided, conflicting classifications (1 of 4 stars). 3 submissions from 3 submitters: Uncertain significance (1); Likely benign (2). Last evaluated 2025-08-13.

Conditions:
PEX1-related disorder. Also called: PEX1-related condition.
Zellweger spectrum disorders (ZS). Also called: Zellweger syndrome; Zellweger Spectrum Disorder; Zellweger Spectrum; Zellweger Spectrum Disorder (ZSD). Identifiers: Orphanet 912, MedGen C0043459, MONDO:0019609.

Allele frequency attached by ClinVar (database versions not stated): gnomAD 0.00001; gnomAD exomes 0.00002 and 0.00006; ExAC 0.00006; 1000 Genomes Project 30x 0.00016; 1000 Genomes Project 0.00020.
gnomAD v4.1: 35 of 1,613,740 alleles (0.0022%); highest among the groups gnomAD compares: South Asian, 0.037%; no homozygotes.

Submissions (3):

PreventionGenetics, part of Exact Sciences
Classification: Uncertain significance for PEX1-related condition. Last evaluated: 2025-08-13. Review status: criteria provided, single submitter. Criteria: ACMG Guidelines, 2015. Collection method: clinical testing. Allele origin: germline.
Comment: The PEX1 c.3009A>G variant is not predicted to result in an amino acid change (p.=). This variant is predicted to alter splicing based on available splicing prediction programs (SpliceAI, Jaganathan et al. 2019. PubMed ID: 30661751). To our knowledge, this variant has not been reported in the literature. This variant is reported in 0.046% of alleles in individuals of South Asian descent in gnomAD. At this time, the clinical significance of this variant is uncertain due to the absence of conclusive functional and genetic evidence.

Labcorp Genetics (formerly Invitae), Labcorp
Classification: Likely benign for Zellweger spectrum disorders. Last evaluated: 2024-05-27. Review status: criteria provided, single submitter. Criteria: Invitae Variant Classification Sherloc (09022015). Collection method: clinical testing. Allele origin: germline.

Blueprint Genetics
Classification: Likely benign. Last evaluated: 2022-03-11. Review status: criteria provided, single submitter. Criteria: ACMG Guidelines, 2015. Collection method: clinical testing. Allele origin: germline.